The following is an entry in ClinVar:

ClinVar aggregate classification (germline): Uncertain significance (1 of 4 stars; one submission).

Conditions:
Progressive familial heart block type IB (PFHB1B). Identifiers: Orphanet 871, MedGen C1970298, MONDO:0011474, OMIM 604559.

Submission:

Labcorp Genetics (formerly Invitae), Labcorp
Classification: Uncertain significance for Progressive familial heart block type IB. Last evaluated: 2023-10-29. Review status: criteria provided, single submitter. Criteria: Invitae Variant Classification Sherloc (09022015). Collection method: clinical testing. Allele origin: germline.
Comment: This sequence change falls in intron 14 of the TRPM4 gene. It does not directly change the encoded amino acid sequence of the TRPM4 protein. It affects a nucleotide within the consensus splice site. This variant is not present in population databases (gnomAD no frequency). This variant has not been reported in the literature in individuals affected with TRPM4-related conditions. ClinVar contains an entry for this variant (Variation ID: 963727). Variants that disrupt the consensus splice site are a relatively common cause of aberrant splicing (PMID: 17576681, 9536098). Algorithms developed to predict the effect of sequence changes on RNA splicing suggest that this variant may disrupt the consensus splice site. In summary, the available evidence is currently insufficient to determine the role of this variant in disease. Therefore, it has been classified as a Variant of Uncertain Significance.

Literature cited by the submitters: PubMed 17576681; PubMed 9536098.

NM_017636.4(TRPM4):c.2020-3C>G

Gene: TRPM4 (transient receptor potential cation channel subfamily M member 4; plus strand). Cytogenetic location: 19q13.33.
Variant type: single nucleotide variant.
Coding change: c.2020-3C>G on transcript NM_017636.4 (MANE Select); 3 bases into the intron before coding-DNA position 2020, C replaced by G.
Molecular consequence: intron variant.
Genome position (GRCh38, 1-based): chr19:49,190,205, C>G. VCF-style: chr19-49190205-C-G. GRCh37 (hg19) VCF-style: chr19-49693462-C-G.
Other names: c.2020-3C>G (NM_001195227.2); c.412-3C>G (NM_001321282.2); c.1675-3C>G (NM_001321281.2); c.1498-3C>G (NM_001321283.2); c.958-3C>G (NM_001321285.2).
Identifiers: ClinVar variation 963727 (VCV000963727.9), dbSNP rs1968357877, ClinGen allele CA1139666524.